The following is an entry in ClinVar:

NM_000355.4(TCN2):c.236del (p.Gly79fs)

Gene: TCN2 (transcobalamin 2; plus strand). Cytogenetic location: 22q12.2.
Variant type: Deletion.
Coding change: c.236del on transcript NM_000355.4 (MANE Select); coding-DNA position 236, one base deleted (G; older notation c.236delG).
Protein change: p.Gly79fs; shifts the reading frame from glycine 79.
Molecular consequence: frameshift variant.
Genome position (GRCh38, 1-based): chr22:30,611,042, G deleted; the last of 2 consecutive G bases (chr22:30,611,041-30,611,042); deleting either gives the same sequence. VCF-style (leftmost placement, unchanged base first): chr22-30611040-TG-T. GRCh37 (hg19) VCF-style: chr22-31007027-TG-T.
Other names: c.236del, p.Gly79fs (NM_001184726.2); short protein forms G79fs.
Identifiers: ClinVar variation 863753 (VCV000863753.7), dbSNP rs2087532435, ClinGen allele CA916081240.

ClinVar aggregate classification (germline): Pathogenic (1 of 4 stars; one submission).

Conditions:
Transcobalamin II deficiency (TCN2D). Also called: Transcolabamin II deficiency; TC II DEFICIENCY; TCN2 DEFICIENCY. Identifiers: Orphanet 859, MedGen C0342701, MONDO:0010149, OMIM 275350.

Submission:

Labcorp Genetics (formerly Invitae), Labcorp
Classification: Pathogenic for Transcobalamin II deficiency. Last evaluated: 2019-03-11. Review status: criteria provided, single submitter. Criteria: Invitae Variant Classification Sherloc (09022015). Collection method: clinical testing. Allele origin: germline.
Comment: For these reasons, this variant has been classified as Pathogenic. Loss-of-function variants in TCN2 are known to be pathogenic (PMID: 7980584, 20352340). This variant has not been reported in the literature in individuals with TCN2-related conditions. This variant is not present in population databases (ExAC no frequency). This sequence change creates a premature translational stop signal (p.Gly79Valfs*7) in the TCN2 gene. It is expected to result in an absent or disrupted protein product.

Literature cited by the submitters: PubMed 7980584; PubMed 20352340.